The following is an entry in ClinVar:

NM_001127222.2(CACNA1A):c.1830G>A (p.Met610Ile)

Gene: CACNA1A (calcium voltage-gated channel subunit alpha1 A; minus strand). Cytogenetic location: 19p13.13.
Variant type: single nucleotide variant.
Coding change: c.1830G>A on transcript NM_001127222.2 (MANE Select); coding-DNA position 1830, G replaced by A.
Protein change: p.Met610Ile; replaces methionine 610 with isoleucine.
Molecular consequence: missense variant.
Genome position (GRCh38, 1-based): chr19:13,308,203, C>T on the plus strand (G>A on the coding strand, the complement: CACNA1A is on the minus strand). VCF-style: chr19-13308203-C-T. GRCh37 (hg19) VCF-style: chr19-13419017-C-T.
Other names: c.1833G>A (NM_001127221.1); c.1833G>A, p.Met611Ile (NM_000068.4, NM_001127221.2, NM_001174080.2 and 1 more transcripts); short protein forms M611I, M610I.
Identifiers: ClinVar variation 1406937 (VCV001406937.9), dbSNP rs2145004244, ClinGen allele CA404344897.

ClinVar aggregate classification (germline): Uncertain significance. Review status: criteria provided, multiple submitters, no conflicts (2 of 4 stars). 2 submissions from 2 submitters: Uncertain significance (2). Last evaluated 2022-09-13.

Conditions:
Episodic ataxia type 2 (EA2). Also called: ATAXIA, EPISODIC, WITH NYSTAGMUS; ATAXIA, FAMILIAL PAROXYSMAL; CEREBELLAR ATAXIA, PAROXYSMAL, ACETAZOLAMIDE-RESPONSIVE; CEREBELLOPATHY, HEREDITARY PAROXYSMAL; EPISODIC ATAXIA, NYSTAGMUS-ASSOCIATED; ACETAZOLAMIDE-RESPONSIVE HEREDITARY PAROXYSMAL CEREBELLAR ATAXIA. Identifiers: Orphanet 97, MedGen C1720416, MONDO:0007163, OMIM 108500.
Developmental and epileptic encephalopathy, 42 (DEE42A). Also called: Epileptic encephalopathy, early infantile, 42; DEVELOPMENTAL AND EPILEPTIC ENCEPHALOPATHY 42A; EPILEPTIC ENCEPHALOPATHY, EARLY INFANTILE, 42A. Identifiers: MedGen C4310716, MONDO:0014917, OMIM 617106.
Inborn genetic diseases. Identifiers: MedGen C0950123, MeSH D030342.

Submissions (2):

Ambry Genetics
Classification: Uncertain significance for Inborn genetic diseases. Last evaluated: 2022-09-13. Review status: criteria provided, single submitter. Criteria: Ambry Variant Classification Scheme 2023. Collection method: clinical testing. Allele origin: germline.
Comment: The c.1833G>A (p.M611I) alteration is located in exon 14 (coding exon 14) of the CACNA1A gene. This alteration results from a G to A substitution at nucleotide position 1833, causing the methionine (M) at amino acid position 611 to be replaced by an isoleucine (I). This variant was not reported in population-based cohorts in the Genome Aggregation Database (gnomAD). This amino acid position is highly conserved in available vertebrate species. This missense alteration is located in a region that has a low rate of benign missense variation (Lek, 2016; Firth, 2009). The in silico prediction for this alteration is inconclusive. Based on insufficient or conflicting evidence, the clinical significance of this alteration remains unclear.

Labcorp Genetics (formerly Invitae), Labcorp
Classification: Uncertain significance for Developmental and epileptic encephalopathy, 42; Episodic ataxia type 2. Last evaluated: 2022-07-06. Review status: criteria provided, single submitter. Criteria: Invitae Variant Classification Sherloc (09022015). Collection method: clinical testing. Allele origin: germline.
Comment: This sequence change replaces methionine, which is neutral and non-polar, with isoleucine, which is neutral and non-polar, at codon 611 of the CACNA1A protein (p.Met611Ile). This variant is not present in population databases (gnomAD no frequency). This variant has not been reported in the literature in individuals affected with CACNA1A-related conditions. ClinVar contains an entry for this variant (Variation ID: 1406937). Advanced modeling of protein sequence and biophysical properties (such as structural, functional, and spatial information, amino acid conservation, physicochemical variation, residue mobility, and thermodynamic stability) performed at Invitae indicates that this missense variant is expected to disrupt CACNA1A protein function. In summary, the available evidence is currently insufficient to determine the role of this variant in disease. Therefore, it has been classified as a Variant of Uncertain Significance.